The following is an entry in ClinVar:

NM_000186.4(CFH):c.1606T>C (p.Cys536Arg)

Gene: CFH (complement factor H; plus strand). Cytogenetic location: 1q31.3.
Variant type: single nucleotide variant.
Coding change: c.1606T>C on transcript NM_000186.4 (MANE Select); coding-DNA position 1606, T replaced by C.
Protein change: p.Cys536Arg; replaces cysteine 536 with arginine.
Molecular consequence: missense variant.
Genome position (GRCh38, 1-based): chr1:196,715,679, T>C. VCF-style: chr1-196715679-T-C. GRCh37 (hg19) VCF-style: chr1-196684809-T-C.
Other names: short protein forms C536R.
Identifiers: ClinVar variation 16543 (VCV000016543.3), dbSNP rs121913052, ClinGen allele CA257493.

ClinVar aggregate classification (germline): Uncertain significance. Review status: criteria provided, single submitter (1 of 4 stars). 2 submissions from 2 submitters: Uncertain significance (1). 1 of the submissions does not count toward it. Last evaluated 2025-10-02.

Conditions:
Factor H deficiency (CFHD). Also called: CFH DEFICIENCY; COMPLEMENT FACTOR H DEFICIENCY. Identifiers: Orphanet 200421, MedGen C0398777, MONDO:0012350, OMIM 609814.

Submissions (2):

Genomenon, Inc
Classification: Uncertain significance for Factor H deficiency. Last evaluated: 2025-10-02. Review status: criteria provided, single submitter. Criteria: Genomenon Sequence Variant Interpretation Standards - Updated. Collection method: curation. Allele origin: germline. Affected: yes.
Comment: CFH p.Cys536Arg (c.1606T>C) is a missense variant that changes the amino acid at residue 536 from Cysteine to Arginine. This variant has been observed in at least one proband affected with complement factor H deficiency (PMID:9312129). Functional studies have been reported (PMID:10206995). It is absent or not present at a significant frequency in gnomAD. In silico models agree that this variant is possibly or probably damaging. In conclusion, we classify CFH p.Cys536Arg (c.1606T>C) as a variant of uncertain significance.

OMIM
Classification: Pathogenic for COMPLEMENT FACTOR H DEFICIENCY. Last evaluated: 1999-04-23. Review status: no assertion criteria provided. Collection method: literature only. Allele origin: germline. Not counted in ClinVar's aggregate classification.

Literature cited by the submitters: PubMed 9312129 (cited by Genomenon, Inc); PubMed 10206995 (cited by Genomenon, Inc and OMIM); PubMed 7742208 (cited by OMIM); PubMed 10975323 (cited by OMIM).